The following is an entry in ClinVar:

NM_144670.6(A2ML1):c.772G>C (p.Val258Leu)

Gene: A2ML1 (alpha-2-macroglobulin like 1; plus strand). Cytogenetic location: 12p13.31.
Variant type: single nucleotide variant.
Coding change: c.772G>C on transcript NM_144670.6 (MANE Select); coding-DNA position 772, G replaced by C.
Protein change: p.Val258Leu; replaces valine 258 with leucine.
Molecular consequence: missense variant.
Genome position (GRCh38, 1-based): chr12:8,837,483, G>C. VCF-style: chr12-8837483-G-C. GRCh37 (hg19) VCF-style: chr12-8990079-G-C.
Other names: short protein forms V258L.
Identifiers: ClinVar variation 1043900 (VCV001043900.8), dbSNP rs1943321535, ClinGen allele CA383822859.

ClinVar aggregate classification (germline): Uncertain significance (1 of 4 stars; one submission).

Submission:

Labcorp Genetics (formerly Invitae), Labcorp
Classification: Uncertain significance. Last evaluated: 2020-04-06. Review status: criteria provided, single submitter. Criteria: Invitae Variant Classification Sherloc (09022015). Collection method: clinical testing. Allele origin: germline.
Comment: In summary, the available evidence is currently insufficient to determine the role of this variant in disease. Therefore, it has been classified as a Variant of Uncertain Significance. Algorithms developed to predict the effect of missense changes on protein structure and function (SIFT, PolyPhen-2, Align-GVGD) all suggest that this variant is likely to be tolerated, but these predictions have not been confirmed by published functional studies and their clinical significance is uncertain. This variant has not been reported in the literature in individuals with A2ML1-related conditions. This variant is not present in population databases (ExAC no frequency). This sequence change replaces valine with leucine at codon 258 of the A2ML1 protein (p.Val258Leu). The valine residue is moderately conserved and there is a small physicochemical difference between valine and leucine.